The following is an entry in ClinVar:

NM_000211.5(ITGB2):c.1467C>G (p.Ser489Arg)

Gene: ITGB2 (integrin subunit beta 2; minus strand). Cytogenetic location: 21q22.3.
Variant type: single nucleotide variant.
Coding change: c.1467C>G on transcript NM_000211.5 (MANE Select); coding-DNA position 1467, C replaced by G.
Protein change: p.Ser489Arg; replaces serine 489 with arginine.
Molecular consequence: missense variant.
Genome position (GRCh38, 1-based): chr21:44,890,168, G>C on the plus strand (C>G on the coding strand, the complement: ITGB2 is on the minus strand). VCF-style: chr21-44890168-G-C. GRCh37 (hg19) VCF-style: chr21-46310083-G-C.
Other names: c.1467C>G, p.Ser489Arg (NM_001127491.3); c.1260C>G, p.Ser420Arg (NM_001303238.2); short protein forms S489R, S420R.
Identifiers: ClinVar variation 1500215 (VCV001500215.8), dbSNP rs2146500437, ClinGen allele CA410484718.

ClinVar aggregate classification (germline): Uncertain significance (1 of 4 stars; one submission).

Conditions:
Leukocyte adhesion deficiency 1 (LAD1). Also called: LEUKOCYTE ADHESION DEFICIENCY, TYPE I; LAD 1; Lymphocyte function-associated antigen 1 immunodeficiency; LFA 1 immunodeficiency. Identifiers: Orphanet 2968, Orphanet 99842, MedGen C0398738, MONDO:0007293, OMIM 116920.

Submission:

Labcorp Genetics (formerly Invitae), Labcorp
Classification: Uncertain significance for Leukocyte adhesion deficiency 1. Last evaluated: 2023-08-04. Review status: criteria provided, single submitter. Criteria: Invitae Variant Classification Sherloc (09022015). Collection method: clinical testing. Allele origin: germline.
Comment: This sequence change replaces serine, which is neutral and polar, with arginine, which is basic and polar, at codon 489 of the ITGB2 protein (p.Ser489Arg). This variant is not present in population databases (gnomAD no frequency). This variant has not been reported in the literature in individuals affected with ITGB2-related conditions. ClinVar contains an entry for this variant (Variation ID: 1500215). Advanced modeling of protein sequence and biophysical properties (such as structural, functional, and spatial information, amino acid conservation, physicochemical variation, residue mobility, and thermodynamic stability) has been performed at Invitae for this missense variant, however the output from this modeling did not meet the statistical confidence thresholds required to predict the impact of this variant on ITGB2 protein function. In summary, the available evidence is currently insufficient to determine the role of this variant in disease. Therefore, it has been classified as a Variant of Uncertain Significance.